The following is an entry in ClinVar:

ClinVar aggregate classification (germline): Uncertain significance. Review status: criteria provided, multiple submitters, no conflicts (2 of 4 stars). 2 submissions from 2 submitters: Uncertain significance (2). Last evaluated 2026-09-24.

Conditions:
Supravalvar aortic stenosis (SVAS). Also called: Supravalvar aortic stenosis, Eisenberg type. Identifiers: Orphanet 3193, MedGen C0003499, MONDO:0008504, OMIM 185500, HP:0004381.

Allele frequency attached by ClinVar (database versions not stated): TOPMed 0.00005; ExAC 0.00002; gnomAD 0.00004 and 0.00002; gnomAD exomes 0.00004 and 0.00003; ESP Exome Variant Server 0.00008.
gnomAD v4.1: 54 of 1,614,034 alleles (0.0033%); highest among the groups gnomAD compares: African/African-American, 0.0093%; no homozygotes.

Submissions (2):

GeneDx
Classification: Uncertain significance. Last evaluated: 2026-09-24. Review status: criteria provided, single submitter. Criteria: GeneDx Variant Classification Process June 2021. Collection method: clinical testing. Allele origin: germline.
Comment: Has been reported in an individual with a common atrioventricular canal defect in published literature; however the patient also harbored a TBX1 variant of unknown significance. (PMID: 29332214); In silico analysis supports that this missense variant has a deleterious effect on protein structure/function; This variant is associated with the following publications: (PMID: 27535533, 29332214)

Labcorp Genetics (formerly Invitae), Labcorp
Classification: Uncertain significance for Supravalvar aortic stenosis. Last evaluated: 2025-03-20. Review status: criteria provided, single submitter. Criteria: Invitae Variant Classification Sherloc (09022015). Collection method: clinical testing. Allele origin: germline.
Comment: This sequence change replaces proline, which is neutral and non-polar, with leucine, which is neutral and non-polar, at codon 198 of the ELN protein (p.Pro198Leu). This variant is present in population databases (rs146729533, gnomAD 0.02%). This missense change has been observed in individual(s) with common atrioventricular canal defect (PMID: 29332214). ClinVar contains an entry for this variant (Variation ID: 1254749). Invitae Evidence Modeling of protein sequence and biophysical properties (such as structural, functional, and spatial information, amino acid conservation, physicochemical variation, residue mobility, and thermodynamic stability) indicates that this missense variant is not expected to disrupt ELN protein function with a negative predictive value of 80%. In summary, the available evidence is currently insufficient to determine the role of this variant in disease. Therefore, it has been classified as a Variant of Uncertain Significance.

Literature cited by the submitters: PubMed 29332214 (cited by Labcorp Genetics (formerly Invitae), Labcorp).

NM_000501.4(ELN):c.593C>T (p.Pro198Leu)

Gene: ELN (elastin; plus strand). Cytogenetic location: 7q11.23.
Variant type: single nucleotide variant.
Coding change: c.593C>T on transcript NM_000501.4 (MANE Select); coding-DNA position 593, C replaced by T.
Protein change: p.Pro198Leu; replaces proline 198 with leucine.
Molecular consequence: missense variant.
Genome position (GRCh38, 1-based): chr7:74,046,717, C>T. VCF-style: chr7-74046717-C-T. GRCh37 (hg19) VCF-style: chr7-73461047-C-T.
Other names: c.563C>T, p.Pro188Leu (NM_001081752.3, NM_001278917.2); c.608C>T, p.Pro203Leu (NM_001081753.3, NM_001081754.3); c.593C>T, p.Pro198Leu (NM_001081755.3, NM_001278912.2, NM_001278915.2 and 2 more transcripts); c.527C>T, p.Pro176Leu (NM_001278913.2); c.578C>T, p.Pro193Leu (NM_001278914.2); c.461C>T, p.Pro154Leu (NM_001278918.2); short protein forms P154L, P176L, P188L, P193L, P198L, P203L.
Identifiers: ClinVar variation 1254749 (VCV001254749.10), dbSNP rs146729533, ClinGen allele CA4292584.